The following is an entry in ClinVar:

NM_001145678.3(KIAA0825):c.2086A>C (p.Ile696Leu)

Gene: KIAA0825 (KIAA0825; minus strand). Cytogenetic location: 5q15.
Variant type: single nucleotide variant.
Coding change: c.2086A>C on transcript NM_001145678.3 (MANE Select); coding-DNA position 2086, A replaced by C.
Protein change: p.Ile696Leu; replaces isoleucine 696 with leucine.
Molecular consequence: missense variant. On other transcripts: non-coding transcript variant (1).
Genome position (GRCh38, 1-based): chr5:94,462,547, T>G on the plus strand (A>C on the coding strand, the complement: KIAA0825 is on the minus strand). VCF-style: chr5-94462547-T-G. GRCh37 (hg19) VCF-style: chr5-93798252-T-G.
Other names: c.2086A>C, p.Ile696Leu (NM_001385712.1, NM_001385713.1, NM_001388325.1); short protein forms I696L.
Identifiers: ClinVar variation 3055166 (VCV003055166.2), dbSNP rs191923841, ClinGen allele CA3344093.

ClinVar aggregate classification (germline): Likely benign (0 of 4 stars; one submission).

Conditions:
KIAA0825-related disorder. Also called: KIAA0825-related condition.

Allele frequency attached by ClinVar (database versions not stated): gnomAD exomes 0.00006; ExAC 0.00016; gnomAD 0.00066; TOPMed 0.00068; 1000 Genomes Project 0.00100; 1000 Genomes Project 30x 0.00141.
gnomAD v4.1: 180 of 1,509,280 alleles (0.012%); highest among the groups gnomAD compares: African/African-American, 0.24%; no homozygotes.

Submission:

PreventionGenetics, part of Exact Sciences
Classification: Likely benign for KIAA0825-related condition. Last evaluated: 2023-05-10. Review status: no assertion criteria provided. Collection method: clinical testing. Allele origin: germline.
Comment: This variant is classified as likely benign based on ACMG/AMP sequence variant interpretation guidelines (Richards et al. 2015 PMID: 25741868, with internal and published modifications).